The following is an entry in ClinVar:

ClinVar aggregate classification (germline): Conflicting classifications of pathogenicity. Review status: criteria provided, conflicting classifications (1 of 4 stars). 2 submissions from 2 submitters: Likely pathogenic (1); Uncertain significance (1). Last evaluated 2023-08-15.

Conditions:
Cardiomyopathy (CMYO). Also called: Cardiomyopathies. Identifiers: Orphanet 167848, MedGen C0878544, MONDO:0004994, HP:0001638. Inheritance: Various modes of inheritance.
Hypertrophic cardiomyopathy. Also called: HYPERTROPHIC MYOCARDIOPATHY. Identifiers: Orphanet 217569, MedGen C0007194, MeSH D002312, MONDO:0005045, HP:0001639.

Submissions (2):

All of Us Research Program, National Institutes of Health
Classification: Uncertain significance for Cardiomyopathy. Last evaluated: 2023-08-15. Review status: criteria provided, single submitter. Criteria: ACMG Guidelines, 2015. Collection method: clinical testing. Allele origin: germline. Inheritance: Autosomal dominant inheritance. Observed: 1 variant allele, 1 heterozygote.
Comment: This study involves interpretation of variants in research participants for the purpose of population health screening. Participant phenotype was not available at the time of variant classification. Additional details can be found in publication PMID: 35346344, PMCID: PMC8962531

Labcorp Genetics (formerly Invitae), Labcorp
Classification: Likely pathogenic for Hypertrophic cardiomyopathy. Last evaluated: 2023-04-28. Review status: criteria provided, single submitter. Criteria: Invitae Variant Classification Sherloc (09022015). Collection method: clinical testing. Allele origin: germline.
Comment: This sequence change replaces histidine, which is basic and polar, with proline, which is neutral and non-polar, at codon 651 of the MYH7 protein (p.His651Pro). In summary, the currently available evidence indicates that the variant is pathogenic, but additional data are needed to prove that conclusively. Therefore, this variant has been classified as Likely Pathogenic. Advanced modeling of protein sequence and biophysical properties (such as structural, functional, and spatial information, amino acid conservation, physicochemical variation, residue mobility, and thermodynamic stability) performed at Invitae indicates that this missense variant is expected to disrupt MYH7 protein function. ClinVar contains an entry for this variant (Variation ID: 939556). This missense change has been observed in individual(s) with clinical features of autosomal dominant MYH7-related conditions (Invitae). It has also been observed to segregate with disease in related individuals. This variant is not present in population databases (gnomAD no frequency).

NM_000257.4(MYH7):c.1952A>C (p.His651Pro)

Gene: MYH7 (myosin heavy chain 7; minus strand). Cytogenetic location: 14q11.2.
Variant type: single nucleotide variant.
Coding change: c.1952A>C on transcript NM_000257.4 (MANE Select); coding-DNA position 1952, A replaced by C.
Protein change: p.His651Pro; replaces histidine 651 with proline.
Molecular consequence: missense variant.
Genome position (GRCh38, 1-based): chr14:23,427,244, T>G on the plus strand (A>C on the coding strand, the complement: MYH7 is on the minus strand). VCF-style: chr14-23427244-T-G. GRCh37 (hg19) VCF-style: chr14-23896453-T-G.
Other names: short protein forms H651P.
Identifiers: ClinVar variation 939556 (VCV000939556.10), dbSNP rs606231328, ClinGen allele CA389049466.